The following is an entry in ClinVar:

ClinVar aggregate classification (germline): Uncertain significance (1 of 4 stars; one submission).

gnomAD v4.1: 4 of 1,601,986 alleles (0.00025%); highest among the groups gnomAD compares: Non-Finnish European, 0.00034%; no homozygotes.

Submission:

Labcorp Genetics (formerly Invitae), Labcorp
Classification: Uncertain significance. Last evaluated: 2025-04-08. Review status: criteria provided, single submitter. Criteria: Invitae Variant Classification Sherloc (09022015). Collection method: clinical testing. Allele origin: germline.
Comment: This sequence change replaces isoleucine, which is neutral and non-polar, with leucine, which is neutral and non-polar, at codon 276 of the DSG1 protein (p.Ile276Leu). This variant is not present in population databases (gnomAD no frequency). This variant has not been reported in the literature in individuals affected with DSG1-related conditions. ClinVar contains an entry for this variant (Variation ID: 1444483). Invitae Evidence Modeling of protein sequence and biophysical properties (such as structural, functional, and spatial information, amino acid conservation, physicochemical variation, residue mobility, and thermodynamic stability) indicates that this missense variant is not expected to disrupt DSG1 protein function with a negative predictive value of 80%. In summary, the available evidence is currently insufficient to determine the role of this variant in disease. Therefore, it has been classified as a Variant of Uncertain Significance.

NM_001942.4(DSG1):c.826A>T (p.Ile276Leu)

Gene: DSG1 (desmoglein 1; plus strand). Cytogenetic location: 18q12.1.
Variant type: single nucleotide variant.
Coding change: c.826A>T on transcript NM_001942.4 (MANE Select); coding-DNA position 826, A replaced by T.
Protein change: p.Ile276Leu; replaces isoleucine 276 with leucine.
Molecular consequence: missense variant.
Genome position (GRCh38, 1-based): chr18:31,334,023, A>T. VCF-style: chr18-31334023-A-T. GRCh37 (hg19) VCF-style: chr18-28913986-A-T.
Other names: short protein forms I276L.
Identifiers: ClinVar variation 1444483 (VCV001444483.8), dbSNP rs775677745, ClinGen allele CA402130768.
Genomic context (GRCh38, chr18:31,334,023, plus strand): 5'-TAGTTCTCTCTCTTTCACACAGTTTGTGCTAAGAGTTTTCACTTCTTGTTTCAGTATACC[A>T]TAGAAATTCAAGAAAATACTCTAAATTCAAATTTGCTCGAGATTAGAGTAATTGATTTGG-3'
Protein context (NP_001933.2, residues 266-286): IPYMEQSSYT[Ile276Leu]EIQENTLNSN